The following is an entry in ClinVar:

NM_002618.4(PEX13):c.403A>T (p.Ser135Cys)

Gene: PEX13 (peroxisomal biogenesis factor 13; plus strand). Cytogenetic location: 2p15.
Variant type: single nucleotide variant.
Coding change: c.403A>T on transcript NM_002618.4 (MANE Select); coding-DNA position 403, A replaced by T.
Protein change: p.Ser135Cys; replaces serine 135 with cysteine.
Molecular consequence: missense variant.
Genome position (GRCh38, 1-based): chr2:61,031,729, A>T. VCF-style: chr2-61031729-A-T. GRCh37 (hg19) VCF-style: chr2-61258864-A-T.
Other names: short protein forms S135C.
Identifiers: ClinVar variation 1486113 (VCV001486113.3), dbSNP rs1357787046, ClinGen allele CA346942534.

ClinVar aggregate classification (germline): Uncertain significance (1 of 4 stars; one submission).

Conditions:
Peroxisome biogenesis disorder 11A (Zellweger). Also called: Peroxisome biogenesis disorder 11A. Identifiers: Orphanet 912, MedGen C3554000, MONDO:0013949, OMIM 614883.

Allele frequency attached by ClinVar (database versions not stated): TOPMed below 0.00001; gnomAD 0.00001.
gnomAD v4.1: 2 of 1,614,096 alleles (0.00012%); highest among the groups gnomAD compares: African/African-American, 0.0027%; no homozygotes.

Submission:

Labcorp Genetics (formerly Invitae), Labcorp
Classification: Uncertain significance for Peroxisome biogenesis disorder 11A (Zellweger). Last evaluated: 2021-10-13. Review status: criteria provided, single submitter. Criteria: Invitae Variant Classification Sherloc (09022015). Collection method: clinical testing. Allele origin: germline.
Comment: This sequence change replaces serine with cysteine at codon 135 of the PEX13 protein (p.Ser135Cys). The serine residue is highly conserved and there is a moderate physicochemical difference between serine and cysteine. This variant is not present in population databases (ExAC no frequency). This variant has not been reported in the literature in individuals affected with PEX13-related conditions. Algorithms developed to predict the effect of missense changes on protein structure and function (SIFT, PolyPhen-2, Align-GVGD) all suggest that this variant is likely to be disruptive. In summary, the available evidence is currently insufficient to determine the role of this variant in disease. Therefore, it has been classified as a Variant of Uncertain Significance.